The following is an entry in ClinVar:

ClinVar aggregate classification (germline): Uncertain significance (1 of 4 stars; one submission).

Submission:

Women's Health and Genetics/Laboratory Corporation of America, LabCorp
Classification: Uncertain significance. Last evaluated: 2025-12-10. Review status: criteria provided, single submitter. Criteria: LabCorp Variant Classification Summary - May 2015. Collection method: clinical testing. Allele origin: germline.
Comment: Variant summary: SGSH c.1319A>G (p.Asp440Gly) results in a non-conservative amino acid change in the encoded protein sequence. Algorithms developed to predict the effect of missense changes on protein structure and function all suggest that this variant is likely to be disruptive. The variant was absent in 250128 control chromosomes (gnomAD). The available data on variant occurrences in the general population are insufficient to allow any conclusion about variant significance. c.1319A>G has been observed in an individual affected with Mucopolysaccharidosis, MPS-III-A (Heron_2011). These data do not allow any conclusion about variant significance. To our knowledge, no experimental evidence demonstrating an impact on protein function has been reported. The following publication has been ascertained in the context of this evaluation (PMID: 21204211). No submitters have cited clinical-significance assessments for this variant to ClinVar. Based on the evidence outlined above, the variant was classified as uncertain significance.

Literature cited by the submitters: PubMed 21204211.

NM_000199.5(SGSH):c.1319A>G (p.Asp440Gly)

Gene: SGSH (N-sulfoglucosamine sulfohydrolase; minus strand). Cytogenetic location: 17q25.3.
Variant type: single nucleotide variant.
Coding change: c.1319A>G on transcript NM_000199.5 (MANE Select); coding-DNA position 1319, A replaced by G.
Protein change: p.Asp440Gly; replaces aspartic acid 440 with glycine.
Molecular consequence: missense variant. On other transcripts: 3 prime UTR variant (2), non-coding transcript variant (1).
Genome position (GRCh38, 1-based): chr17:80,210,642, T>C on the plus strand (A>G on the coding strand, the complement: SGSH is on the minus strand). VCF-style: chr17-80210642-T-C. GRCh37 (hg19) VCF-style: chr17-78184441-T-C.
Other names: c.*406A>G (NM_001352921.3); c.*369A>G (NM_001352922.2); short protein forms D440G.
Identifiers: ClinVar variation 4688403 (VCV004688403.1).
Genomic context (GRCh38, chr17:80,210,642, plus strand): 5'-AGCTGAGCAAAGCGCGGGTCGGTGGCCAGGTTCTGGGTCTCGTGGGGGTCCCGGCTCCGG[T>C]CGTAGAGCTCCCAGCGCGCCCGGTAGTAGTAATGACGGAGGTCCTTGTACCAGCCCGTGG-3'
Protein context (NP_000190.1, residues 430-450): YYYRARWELY[Asp440Gly]RSRDPHETQN